The following is an entry in ClinVar:

ClinVar aggregate classification (germline): Uncertain significance (1 of 4 stars; one submission).

Submission:

Laboratory for Molecular Medicine, Mass General Brigham Personalized Medicine
Classification: Uncertain significance. Last evaluated: 2018-07-25. Review status: criteria provided, single submitter. Criteria: LMM Criteria. Collection method: clinical testing. Allele origin: germline. Observed: 2 variant alleles.
Comment: T his variant was absent from large population studies, though the ability of thes e studies to accurately detect large indels of this size may be limited. This va riant is a tandem duplication of 7 amino acids at positions 640 to 646 and is no t predicted to alter the protein reading-frame. This region of the protein is co nserved across mammalian species, though it is unclear if this duplication will impact protein function. In summary, the clinical significance of the p.Ser640_P ro646dup variant is uncertain. ACMG/AMP criteria applied: PM4.

NM_005422.4(TECTA):c.1917_1937dup (p.Pro646_Leu647insSerThrSerGlnCysValPro)

Genes: TBCEL-TECTA (TBCEL-TECTA readthrough; plus strand), TECTA (tectorin alpha; plus strand). Cytogenetic location: 11q23.3.
Variant type: Duplication.
Coding change: c.1917_1937dup on transcript NM_005422.4 (MANE Select); coding-DNA positions 1917 to 1937, 21 bases duplicated (CAGCACCAGCCAGTGCGTCCC).
Protein change: p.Pro646_Leu647insSerThrSerGlnCysValPro.
Molecular consequence: inframe insertion.
Genome position (GRCh38, 1-based): chr11:121,127,894-121,127,914, CAGCACCAGCCAGTGCGTCCC duplicated. VCF-style (leftmost placement, unchanged base first): chr11-121127893-T-TCAGCACCAGCCAGTGCGTCCC. GRCh37 (hg19) VCF-style: chr11-120998602-T-TCAGCACCAGCCAGTGCGTCCC.
Other names: c.2874_2894dup, p.Pro965_Leu966insSerThrSerGlnCysValPro (NM_001378761.1).
Identifiers: ClinVar variation 517274 (VCV000517274.5), dbSNP rs1555123919, ClinGen allele CA658797820.